The following is an entry in ClinVar:

NM_002187.3(IL12B):c.677G>A (p.Ser226Asn)

Gene: IL12B (interleukin 12B; minus strand). Cytogenetic location: 5q33.3.
Variant type: single nucleotide variant.
Coding change: c.677G>A on transcript NM_002187.3 (MANE Select); coding-DNA position 677, G replaced by A.
Protein change: p.Ser226Asn; replaces serine 226 with asparagine.
Molecular consequence: missense variant.
Genome position (GRCh38, 1-based): chr5:159,320,326, C>T on the plus strand (G>A on the coding strand, the complement: IL12B is on the minus strand). VCF-style: chr5-159320326-C-T. GRCh37 (hg19) VCF-style: chr5-158747334-C-T.
Other names: short protein forms S226N.
Identifiers: ClinVar variation 791067 (VCV000791067.16), dbSNP rs55661460, ClinGen allele CA3538748.

ClinVar aggregate classification (germline): Benign. Review status: criteria provided, multiple submitters, no conflicts (2 of 4 stars). 3 submissions from 3 submitters: Benign (2). 1 of the submissions does not count toward it. Last evaluated 2026-01-31.

Conditions:
IL12B-related disorder. Also called: IL12B-related condition.
Mendelian susceptibility to mycobacterial diseases due to complete IL12B deficiency. Also called: Immunodeficiency 29; IL12B DEFICIENCY. Identifiers: Orphanet 319558, MedGen C4013948, MONDO:0013954, OMIM 614890.

Allele frequency attached by ClinVar (database versions not stated): ESP Exome Variant Server 0.00023; gnomAD 0.00074 and 0.00098; TOPMed 0.00129; ExAC 0.00203; gnomAD exomes 0.00221; 1000 Genomes Project 30x 0.00406; 1000 Genomes Project 0.00439.
gnomAD v4.1: 1,702 of 1,614,082 alleles (0.11%); highest among the groups gnomAD compares: East Asian, 2.8%; 26 homozygotes.

Submissions (3):

Labcorp Genetics (formerly Invitae), Labcorp
Classification: Benign for Mendelian susceptibility to mycobacterial diseases due to complete IL12B deficiency. Last evaluated: 2026-01-31. Review status: criteria provided, single submitter. Criteria: Invitae Variant Classification Sherloc (09022015). Collection method: clinical testing. Allele origin: germline.

Illumina Laboratory Services, Illumina
Classification: Benign for Mendelian susceptibility to mycobacterial diseases due to complete IL12B deficiency. Last evaluated: 2017-04-27. Review status: criteria provided, single submitter. Criteria: ICSL Variant Classification Criteria 13 December 2019. Collection method: clinical testing. Allele origin: germline.
Comment: This variant was observed as part of a predisposition screen in an ostensibly healthy population. A literature search was performed for the gene, cDNA change, and amino acid change (where applicable). Publications were found based on this search. The evidence from the literature, in combination with allele frequency data from public databases where available, was sufficient to rule this variant out of causing disease. Therefore, this variant is classified as benign.

PreventionGenetics, part of Exact Sciences
Classification: Likely benign for IL12B-related condition. Last evaluated: 2020-03-30. Review status: no assertion criteria provided. Collection method: clinical testing. Allele origin: germline. Not counted in ClinVar's aggregate classification.
Comment: This variant is classified as likely benign based on ACMG/AMP sequence variant interpretation guidelines (Richards et al. 2015 PMID: 25741868, with internal and published modifications).

Literature cited by the submitters: PubMed 23575353 (cited by Illumina Laboratory Services, Illumina); PubMed 11704807 (cited by Illumina Laboratory Services, Illumina).